The following is an entry in ClinVar:

NM_017872.5(THG1L):c.137C>A (p.Thr46Asn)

Genes: THG1L (tRNA-histidine guanylyltransferase 1 like; plus strand), LOC129995144 (ATAC-STARR-seq lymphoblastoid active region 23531; plus strand). Cytogenetic location: 5q33.3.
Variant type: single nucleotide variant.
Coding change: c.137C>A on transcript NM_017872.5 (MANE Select); coding-DNA position 137, C replaced by A.
Protein change: p.Thr46Asn; replaces threonine 46 with asparagine.
Molecular consequence: missense variant. On other transcripts: 5 prime UTR variant (2).
Genome position (GRCh38, 1-based): chr5:157,731,577, C>A. VCF-style: chr5-157731577-C-A. GRCh37 (hg19) VCF-style: chr5-157158585-C-A.
Other names: p.Thr46Asn; c.-165C>A (NM_001317824.2); c.-235C>A (NM_001317825.2); short protein forms T46N.
Identifiers: ClinVar variation 547932 (VCV000547932.11), dbSNP rs746295635, ClinGen allele CA130203869.

ClinVar aggregate classification (germline): Uncertain significance. Review status: criteria provided, multiple submitters, no conflicts (2 of 4 stars). 4 submissions from 4 submitters: Uncertain significance (4). Last evaluated 2025-08-20.

Conditions:
Spinocerebellar ataxia, autosomal recessive 28. Identifiers: MedGen C5394101, MONDO:0032923, OMIM 618800.
Inborn genetic diseases. Identifiers: MedGen C0950123, MeSH D030342.

Allele frequency attached by ClinVar (database versions not stated): TOPMed 0.00004; gnomAD 0.00001.

Submissions (4):

Mayo Clinic Laboratories, Mayo Clinic
Classification: Uncertain significance. Last evaluated: 2025-08-20. Review status: criteria provided, single submitter. Criteria: ACMG Guidelines, 2015. Collection method: clinical testing. Allele origin: germline. Observed: 1 variant allele.
Comment: BP4_moderate, PM2_supporting, PM3_supporting

GeneDx
Classification: Uncertain significance. Last evaluated: 2021-11-16. Review status: criteria provided, single submitter. Criteria: GeneDx Variant Classification Process June 2021. Collection method: clinical testing. Allele origin: germline. Affected: yes.
Comment: In silico analysis supports that this missense variant does not alter protein structure/function; This variant is associated with the following publications: (PMID: 28097321)

Ambry Genetics
Classification: Uncertain significance for Inborn genetic diseases. Last evaluated: 2021-05-20. Review status: criteria provided, single submitter. Criteria: Ambry Variant Classification Scheme 2023. Collection method: clinical testing. Allele origin: germline.
Comment: The c.137C>A (p.T46N) alteration is located in coding exon 1 of the THG1L gene. This alteration results from a C to A substitution at nucleotide position 137, causing the threonine (T) at amino acid position 46 to be replaced by an asparagine (N). Based on data from the Genome Aggregation Database (gnomAD), the THG1L c.137C>A alteration was observed in 0.006% (2/31406) of total alleles studied, with a frequency of 0.013% (2/15432) in the European (non-Finnish) subpopulation. This alteration has been observed homozygous in two first cousins from one family who presented with mild intellectual disability and ataxia (Reuter, 2017). This amino acid position is highly conserved in available vertebrate species. The p.T46N alteration is predicted to be tolerated by in silico analysis. Based on insufficient or conflicting evidence, the clinical significance of this alteration remains unclear.

Institute of Human Genetics, University of Leipzig Medical Center
Classification: Uncertain significance for Spinocerebellar ataxia, autosomal recessive 28. Last evaluated: 2020-03-01. Review status: criteria provided, single submitter. Criteria: ACMG Guidelines, 2015. Collection method: clinical testing. Allele origin: biparental. Inheritance: Autosomal recessive inheritance. Affected: yes.
Comment: Review of the variants reported in Reuter et al., 2017, PMID: 28097321: PM2,PM3_Supporting

Literature cited by the submitters: PubMed 28097321 (cited by Mayo Clinic Laboratories, Mayo Clinic and Ambry Genetics).